The following is an entry in ClinVar:

NM_018139.3(DNAAF2):c.2324T>A (p.Ile775Lys)

Gene: DNAAF2 (dynein axonemal assembly factor 2; minus strand). Cytogenetic location: 14q21.3.
Variant type: single nucleotide variant.
Coding change: c.2324T>A on transcript NM_018139.3 (MANE Select); coding-DNA position 2324, T replaced by A.
Protein change: p.Ile775Lys; replaces isoleucine 775 with lysine.
Molecular consequence: missense variant.
Genome position (GRCh38, 1-based): chr14:49,625,732, A>T on the plus strand (T>A on the coding strand, the complement: DNAAF2 is on the minus strand). VCF-style: chr14-49625732-A-T. GRCh37 (hg19) VCF-style: chr14-50092450-A-T.
Other names: c.2180T>A, p.Ile727Lys (NM_001083908.2); c.113T>A, p.Ile38Lys (NM_001378453.1); short protein forms I775K, I727K, I38K.
Identifiers: ClinVar variation 572820 (VCV000572820.7), dbSNP rs1363447010, ClinGen allele CA389623227.
Genomic context (GRCh38, chr14:49,625,732, plus strand): 5'-ACCGTAGTTTTGTTCAGTAATGAAGATAGGTGATCTCCATCTGTTTCTTTCTCTTCAGTT[A>T]TTACTGACTCGTTTAAGTTATCTTTTTCCTCATTTGAACAAGTAGCACTTTTTTCTTTTA-3'
Protein context (NP_060609.2, residues 765-785): EEKDNLNESV[Ile775Lys]TEEKETDGDH

ClinVar aggregate classification (germline): Uncertain significance (1 of 4 stars; one submission).

Conditions:
Primary ciliary dyskinesia. Also called: Ciliary dyskinesia. Identifiers: Orphanet 244, MedGen C0008780, MONDO:0016575, HP:0012265.

Allele frequency attached by ClinVar (database versions not stated): gnomAD exomes below 0.00001; TOPMed 0.00001.

Submission:

Labcorp Genetics (formerly Invitae), Labcorp
Classification: Uncertain significance for Primary ciliary dyskinesia. Last evaluated: 2022-09-01. Review status: criteria provided, single submitter. Criteria: Invitae Variant Classification Sherloc (09022015). Collection method: clinical testing. Allele origin: germline.
Comment: In summary, the available evidence is currently insufficient to determine the role of this variant in disease. Therefore, it has been classified as a Variant of Uncertain Significance. Algorithms developed to predict the effect of missense changes on protein structure and function (SIFT, PolyPhen-2, Align-GVGD) all suggest that this variant is likely to be tolerated. ClinVar contains an entry for this variant (Variation ID: 572820). This variant has not been reported in the literature in individuals affected with DNAAF2-related conditions. This variant is present in population databases (no rsID available, gnomAD 0.003%). This sequence change replaces isoleucine, which is neutral and non-polar, with lysine, which is basic and polar, at codon 775 of the DNAAF2 protein (p.Ile775Lys).